The following is an entry in ClinVar:

ClinVar aggregate classification (germline): Uncertain significance. Review status: criteria provided, single submitter (1 of 4 stars). 2 submissions from 2 submitters: Uncertain significance (1). 1 of the submissions does not count toward it. Last evaluated 2023-08-17.

Conditions:
Moyamoya disease 2 (MYMY2). Also called: MOYAMOYA DISEASE 2, SUSCEPTIBILITY TO. Identifiers: Orphanet 2573, MedGen C1846689, MONDO:0011784, OMIM 607151.

Allele frequency attached by ClinVar (database versions not stated): gnomAD exomes 0.00002.
gnomAD v4.1: 12 of 1,614,242 alleles (0.00074%); highest among the groups gnomAD compares: Non-Finnish European, 0.001%; no homozygotes.

Submissions (2):

Labcorp Genetics (formerly Invitae), Labcorp
Classification: Uncertain significance. Last evaluated: 2023-08-17. Review status: criteria provided, single submitter. Criteria: Invitae Variant Classification Sherloc (09022015). Collection method: clinical testing. Allele origin: germline.
Comment: Algorithms developed to predict the effect of missense changes on protein structure and function output the following: SIFT: "Not Available"; PolyPhen-2: "Benign"; Align-GVGD: "Not Available". The lysine amino acid residue is found in multiple mammalian species, which suggests that this missense change does not adversely affect protein function. In summary, the available evidence is currently insufficient to determine the role of this variant in disease. Therefore, it has been classified as a Variant of Uncertain Significance. ClinVar contains an entry for this variant (Variation ID: 417849). This missense change has been observed in individual(s) with Moyamoya disease (PMID: 27736983). This variant is present in population databases (no rsID available, gnomAD 0.003%). This sequence change replaces glutamic acid, which is acidic and polar, with lysine, which is basic and polar, at codon 4042 of the RNF213 protein (p.Glu4042Lys).

UMR-S1161, Institut national de la santé et de la recherche médicale
Classification: Uncertain significance for Moyamoya disease 2. Last evaluated: 2017-03-03. Review status: no assertion criteria provided. Collection method: research. Allele origin: unknown. Affected: yes. Study: Rare RNF213 variants in Caucasian moyamoya patients. Not counted in ClinVar's aggregate classification.

Literature cited by the submitters: PubMed 27736983 (cited by Labcorp Genetics (formerly Invitae), Labcorp).

NM_001256071.3(RNF213):c.12124G>A (p.Glu4042Lys)

Genes: RNF213 (ring finger protein 213; plus strand), RNF213-AS1 (RNF213 antisense RNA 1; minus strand). Cytogenetic location: 17q25.3.
Variant type: single nucleotide variant.
Coding change: c.12124G>A on transcript NM_001256071.3 (MANE Select); coding-DNA position 12124, G replaced by A.
Protein change: p.Glu4042Lys; replaces glutamic acid 4042 with lysine.
Molecular consequence: missense variant.
Genome position (GRCh38, 1-based): chr17:80,368,112, G>A. VCF-style: chr17-80368112-G-A. GRCh37 (hg19) VCF-style: chr17-78341912-G-A.
Other names: short protein forms E4042K.
Identifiers: ClinVar variation 417849 (VCV000417849.5), dbSNP rs1241745586, ClinGen allele CA401409278.